The following is an entry in ClinVar:

ClinVar aggregate classification (germline): Pathogenic/Likely pathogenic. Review status: criteria provided, multiple submitters, no conflicts (2 of 4 stars). 3 submissions from 3 submitters: Pathogenic (1); Likely pathogenic (2). Last evaluated 2024-04-16.

Conditions:
Glycogen storage disease type III (GSD3). Also called: FORBES DISEASE; Cori disease. Identifiers: Orphanet 366, MedGen C0017922, MONDO:0009291, OMIM 232400.

Submissions (3):

Natera, Inc.
Classification: Likely pathogenic for Glycogen storage disease type III. Last evaluated: 2024-04-16. Review status: criteria provided, single submitter. Criteria: Natera Variant Classification Schema (03/2026). Collection method: clinical testing. Allele origin: germline.
Comment: The c.1107delA variant in AGL is a frameshift variant predicted to shift the reading frame beginning at codon 369 and leads to a stop codon 13 codons downstream. This variant is expected to result in nonsense mediated decay, truncation, or a dysfunctional protein product. This variant is rare in the general population with a frequency below the threshold expected for the associated phenotype(s). Given the available evidence, this variant is classified as Likely Pathogenic.

Labcorp Genetics (formerly Invitae), Labcorp
Classification: Pathogenic for Glycogen storage disease type III. Last evaluated: 2024-02-17. Review status: criteria provided, single submitter. Criteria: Invitae Variant Classification Sherloc (09022015). Collection method: clinical testing. Allele origin: germline.
Comment: This sequence change creates a premature translational stop signal (p.Glu369Aspfs*13) in the AGL gene. It is expected to result in an absent or disrupted protein product. Loss-of-function variants in AGL are known to be pathogenic (PMID: 19299494). This variant is not present in population databases (gnomAD no frequency). This variant has not been reported in the literature in individuals affected with AGL-related conditions. Algorithms developed to predict the effect of sequence changes on RNA splicing suggest that this variant may disrupt the consensus splice site. For these reasons, this variant has been classified as Pathogenic.

Baylor Genetics
Classification: Likely pathogenic for Glycogen storage disease type III. Last evaluated: 2023-11-15. Review status: criteria provided, single submitter. Criteria: ACMG Guidelines, 2015. Collection method: clinical testing. Allele origin: unknown.

Literature cited by the submitters: PubMed 19299494 (cited by Labcorp Genetics (formerly Invitae), Labcorp).

NM_000642.3(AGL):c.1107del (p.Glu369fs)

Gene: AGL (amylo-alpha-1,6-glucosidase and 4-alpha-glucanotransferase; plus strand). Cytogenetic location: 1p21.2.
Variant type: Deletion.
Coding change: c.1107del on transcript NM_000642.3 (MANE Select); coding-DNA position 1107, one base deleted (A; older notation c.1107delA).
Protein change: p.Glu369fs; shifts the reading frame from glutamic acid 369.
Molecular consequence: frameshift variant.
Genome position (GRCh38, 1-based): chr1:99,875,178, A deleted; the last of 2 consecutive A bases (chr1:99,875,177-99,875,178); deleting either gives the same sequence. VCF-style (leftmost placement, unchanged base first): chr1-99875176-GA-G. GRCh37 (hg19) VCF-style: chr1-100340732-GA-G.
Other names: c.1107delA (NM_000642.2); c.1107delA, p.Glu369Aspfs (NM_000028.3, NM_000643.3, NM_000644.3 and 2 more transcripts); c.1059delA, p.Glu353Aspfs (NM_000646.3); c.903delA, p.Glu301Aspfs (NM_001425328.1, NM_001425329.1); c.729delA, p.Glu243Aspfs (NM_001425332.1); c.1107del (NM_000642.2); short protein forms E353fs, E369fs.
Identifiers: ClinVar variation 2879876 (VCV002879876.5), dbSNP rs2524599094, ClinGen allele CA2574444382.
Genomic context (GRCh38, chr1:99,875,176, plus strand): 5'-CATTAAATATTATATCTGCATTTCTCCATCTGCTCTAGCAAGGGGCCAGCAGCAATTGAA[GA>G]ATGCTGTAATTGGTTTCATAAAAGAATGGAGGAATTAAATTCAGAGAAGCATCGACTCAT-3'